The following is an entry in ClinVar:

NM_000180.4(GUCY2D):c.1821_1824dup (p.Ala609fs)

Gene: GUCY2D (guanylate cyclase 2D, retinal; plus strand). Cytogenetic location: 17p13.1.
Variant type: Duplication.
Coding change: c.1821_1824dup on transcript NM_000180.4 (MANE Select); coding-DNA positions 1821 to 1824, 4 bases duplicated (TGCG; older notation c.1821_1824dupTGCG).
Protein change: p.Ala609fs; shifts the reading frame from alanine 609.
Molecular consequence: frameshift variant.
Genome position (GRCh38, 1-based): chr17:8,012,215-8,012,218, TGCG duplicated. VCF-style (leftmost placement, unchanged base first): chr17-8012214-C-CTGCG. GRCh37 (hg19) VCF-style: chr17-7915532-C-CTGCG.
Other names: short protein forms A609fs.
Identifiers: ClinVar variation 2108666 (VCV002108666.4), dbSNP rs2545423992, ClinGen allele CA2580094891.

ClinVar aggregate classification (germline): Pathogenic (1 of 4 stars; one submission).

Conditions:
Cone-rod dystrophy 6 (CORD6). Also called: RETINAL CONE DYSTROPHY 2; Cone dystrophy progressive. Identifiers: Orphanet 1872, MedGen C1866293, MONDO:0011143, OMIM 601777.
Leber congenital amaurosis 1 (LCA1). Also called: Congenital absence of the rods and cones; Leber's congenital tapetoretinal degeneration; Leber's congenital tapetoretinal dysplasia; AMAUROSIS CONGENITA OF LEBER I; RETINAL BLINDNESS, CONGENITAL. Identifiers: Orphanet 65, MedGen C2931258, MONDO:0008764, OMIM 204000.

Submission:

Labcorp Genetics (formerly Invitae), Labcorp
Classification: Pathogenic for Leber congenital amaurosis 1; Cone-rod dystrophy 6. Last evaluated: 2022-08-16. Review status: criteria provided, single submitter. Criteria: Invitae Variant Classification Sherloc (09022015). Collection method: clinical testing. Allele origin: germline.
Comment: This sequence change creates a premature translational stop signal (p.Ala609Cysfs*77) in the GUCY2D gene. It is expected to result in an absent or disrupted protein product. Loss-of-function variants in GUCY2D are known to be pathogenic (PMID: 10951519, 11328726). This variant is not present in population databases (gnomAD no frequency). For these reasons, this variant has been classified as Pathogenic. This variant has not been reported in the literature in individuals affected with GUCY2D-related conditions.

Literature cited by the submitters: PubMed 10951519; PubMed 11328726.